The following is an entry in ClinVar:

NM_012431.3(SEMA3E):c.1831G>A (p.Val611Ile)

Gene: SEMA3E (semaphorin 3E; minus strand). Cytogenetic location: 7q21.11.
Variant type: single nucleotide variant.
Coding change: c.1831G>A on transcript NM_012431.3 (MANE Select); coding-DNA position 1831, G replaced by A.
Protein change: p.Val611Ile; replaces valine 611 with isoleucine.
Molecular consequence: missense variant.
Genome position (GRCh38, 1-based): chr7:83,385,338, C>T on the plus strand (G>A on the coding strand, the complement: SEMA3E is on the minus strand). VCF-style: chr7-83385338-C-T. GRCh37 (hg19) VCF-style: chr7-83014654-C-T.
Other names: c.1651G>A, p.Val551Ile (NM_001178129.2); short protein forms V551I, V611I.
Identifiers: ClinVar variation 2844741 (VCV002844741.3), dbSNP rs1178833915, ClinGen allele CA367921761.
Genomic context (GRCh38, chr7:83,385,338, plus strand): 5'-TGCAGCTATGAATTACCTCCTCTTTTCTTGTCTCACGTCCTTTCTGTACAAACCAGATAA[C>T]TTTCGCTTGTAAAGATCGTGGGGTACATTCCAGCAAAGTACTGTTGTTCTCTATGCCATA-3'
Protein context (NP_036563.1, residues 601-621): ECTPRSLQAK[Val611Ile]IWFVQKGRET

ClinVar aggregate classification (germline): Uncertain significance (1 of 4 stars; one submission).

Conditions:
CHARGE syndrome (CHARGE). Also called: Hittner Hirsch Kreh syndrome; CHARGE ASSOCIATION--COLOBOMA, HEART ANOMALY, CHOANAL ATRESIA, RETARDATION, GENITAL AND EAR ANOMALIES; Coloboma, heart anomaly, choanal atresia, retardation, genital and ear anomalies; CHARGE association; Hall-Hittner syndrome. Identifiers: Orphanet 138, MedGen C0265354, MONDO:0008965.

Allele frequency attached by ClinVar (database versions not stated): gnomAD exomes 0.00001.
gnomAD v4.1: 3 of 1,613,486 alleles (0.00019%); highest among the groups gnomAD compares: Admixed American, 0.0017%; no homozygotes.

Submission:

Labcorp Genetics (formerly Invitae), Labcorp
Classification: Uncertain significance for CHARGE syndrome. Last evaluated: 2023-03-13. Review status: criteria provided, single submitter. Criteria: Invitae Variant Classification Sherloc (09022015). Collection method: clinical testing. Allele origin: germline.
Comment: An algorithm developed to predict the effect of missense changes on protein structure and function (PolyPhen-2) suggests that this variant is likely to be disruptive. In summary, the available evidence is currently insufficient to determine the role of this variant in disease. Therefore, it has been classified as a Variant of Uncertain Significance. This variant has not been reported in the literature in individuals affected with SEMA3E-related conditions. This variant is present in population databases (no rsID available, gnomAD 0.003%). This sequence change replaces valine, which is neutral and non-polar, with isoleucine, which is neutral and non-polar, at codon 611 of the SEMA3E protein (p.Val611Ile).